The following is an entry in ClinVar:

NM_002485.5(NBN):c.449T>C (p.Leu150Pro)

Gene: NBN (nibrin; minus strand). Cytogenetic location: 8q21.3.
Variant type: single nucleotide variant.
Coding change: c.449T>C on transcript NM_002485.5 (MANE Select); coding-DNA position 449, T replaced by C.
Protein change: p.Leu150Pro; replaces leucine 150 with proline.
Molecular consequence: missense variant.
Genome position (GRCh38, 1-based): chr8:89,980,765, A>G on the plus strand (T>C on the coding strand, the complement: NBN is on the minus strand). VCF-style: chr8-89980765-A-G. GRCh37 (hg19) VCF-style: chr8-90992993-A-G.
Other names: c.203T>C, p.Leu68Pro (NM_001024688.3); short protein forms L68P, L150P.
Identifiers: ClinVar variation 2696845 (VCV002696845.3), dbSNP rs2488355598, ClinGen allele CA371661630.

ClinVar aggregate classification (germline): Uncertain significance (1 of 4 stars; one submission).

Conditions:
Microcephaly, normal intelligence and immunodeficiency (NBS). Also called: Nijmegen breakage syndrome; Microcephaly with normal intelligence immunodeficiency and lymphoreticular malignancies; Nonsyndromal microcephaly autosomal recessive with normal intelligence; Seemanova syndrome 2; BERLIN BREAKAGE SYNDROME; IMMUNODEFICIENCY, MICROCEPHALY, AND CHROMOSOMAL INSTABILITY. Identifiers: Orphanet 647, MedGen C0398791, MONDO:0009623, OMIM 251260.

Submission:

Labcorp Genetics (formerly Invitae), Labcorp
Classification: Uncertain significance for Microcephaly, normal intelligence and immunodeficiency. Last evaluated: 2023-11-17. Review status: criteria provided, single submitter. Criteria: Invitae Variant Classification Sherloc (09022015). Collection method: clinical testing. Allele origin: germline.
Comment: This sequence change replaces leucine, which is neutral and non-polar, with proline, which is neutral and non-polar, at codon 150 of the NBN protein (p.Leu150Pro). This variant is not present in population databases (gnomAD no frequency). This variant has not been reported in the literature in individuals affected with NBN-related conditions. An algorithm developed to predict the effect of missense changes on protein structure and function (PolyPhen-2) suggests that this variant is likely to be disruptive. In summary, the available evidence is currently insufficient to determine the role of this variant in disease. Therefore, it has been classified as a Variant of Uncertain Significance.